The following is an entry in ClinVar:

ClinVar aggregate classification (germline): Uncertain significance (1 of 4 stars; one submission).

gnomAD v4.1: 42 of 1,614,000 alleles (0.0026%); highest among the groups gnomAD compares: Non-Finnish European, 0.0034%; no homozygotes.

Submission:

GeneDx
Classification: Uncertain significance. Last evaluated: 2023-03-22. Review status: criteria provided, single submitter. Criteria: GeneDx Variant Classification Process June 2021. Collection method: clinical testing. Allele origin: germline. Affected: yes.
Comment: In silico analysis supports that this missense variant does not alter protein structure/function; Has not been previously published as pathogenic or benign to our knowledge; Variants in candidate genes are classified as variants of uncertain significance in accordance with ACMG guidelines (Richards et al., 2015)

NM_018245.3(OGDHL):c.595A>G (p.Asn199Asp)

Gene: OGDHL (oxoglutarate dehydrogenase L; minus strand). Cytogenetic location: 10q11.23.
Variant type: single nucleotide variant.
Coding change: c.595A>G on transcript NM_018245.3 (MANE Select); coding-DNA position 595, A replaced by G.
Protein change: p.Asn199Asp; replaces asparagine 199 with aspartic acid.
Molecular consequence: missense variant. On other transcripts: 5 prime UTR variant (5), non-coding transcript variant (5).
Genome position (GRCh38, 1-based): chr10:49,751,981, T>C on the plus strand (A>G on the coding strand, the complement: OGDHL is on the minus strand). VCF-style: chr10-49751981-T-C. GRCh37 (hg19) VCF-style: chr10-50960027-T-C.
Other names: c.424A>G, p.Asn142Asp (NM_001143996.2, NM_001347820.1); c.-33A>G (NM_001143997.2, NM_001347821.2, NM_001347822.1 and 1 more transcripts); c.595A>G, p.Asn199Asp (NM_001347819.1, NM_001347823.1, NM_001347824.2); c.-332A>G (NM_001347826.1); short protein forms N142D, N199D.
Identifiers: ClinVar variation 3342892 (VCV003342892.1).